The following is an entry in ClinVar:

NM_001987.5(ETV6):c.625A>T (p.Ile209Phe)

Gene: ETV6 (ETS variant transcription factor 6; plus strand). Cytogenetic location: 12p13.2.
Variant type: single nucleotide variant.
Coding change: c.625A>T on transcript NM_001987.5 (MANE Select); coding-DNA position 625, A replaced by T.
Protein change: p.Ile209Phe; replaces isoleucine 209 with phenylalanine.
Molecular consequence: missense variant.
Genome position (GRCh38, 1-based): chr12:11,869,585, A>T. VCF-style: chr12-11869585-A-T. GRCh37 (hg19) VCF-style: chr12-12022519-A-T.
Other names: c.361A>T, p.Ile121Phe (NM_001413915.1); c.625A>T, p.Ile209Phe (NM_001413916.1, NM_001413917.1); c.598A>T, p.Ile200Phe (NM_001413914.1); c.622A>T, p.Ile208Phe (NM_001413913.1); short protein forms I121F, I208F, I209F, I200F.
Identifiers: ClinVar variation 4618872 (VCV004618872.1).
Genomic context (GRCh38, chr12:11,869,585, plus strand): 5'-AATCACCGGCCTTCTCCTGACCCCGAGCAGCGGCCCCTCCGGTCCCCCCTGGACAACATG[A>T]TCCGCCGCCTCTCCCCGGCTGAGAGAGCTCAGGGACCCAGGCCGCACCAGGAGAACAACC-3'
Protein context (NP_001978.1, residues 199-219): RPLRSPLDNM[Ile209Phe]RRLSPAERAQ

ClinVar aggregate classification (germline): Uncertain significance (1 of 4 stars; one submission).

Conditions:
Inborn genetic diseases. Identifiers: MedGen C0950123, MeSH D030342.

Submission:

Ambry Genetics
Classification: Uncertain significance for Inborn genetic diseases. Last evaluated: 2025-11-13. Review status: criteria provided, single submitter. Criteria: Ambry Variant Classification Scheme 2023. Collection method: clinical testing. Allele origin: germline.
Comment: The p.I209F variant (also known as c.625A>T), located in coding exon 5 of the ETV6 gene, results from an A to T substitution at nucleotide position 625. The isoleucine at codon 209 is replaced by phenylalanine, an amino acid with highly similar properties. This amino acid position is conserved. In addition, this alteration is predicted to be tolerated by in silico analysis. Based on the available evidence, the clinical significance of this variant remains unclear.